The following is an entry in ClinVar:

NM_014314.4(RIGI):c.2338-7G>A

Genes: RIGI (RNA sensor RIG-I; minus strand), LOC101060445 (uncharacterized LOC101060445; plus strand). Cytogenetic location: 9p21.1.
Variant type: single nucleotide variant.
Coding change: c.2338-7G>A on transcript NM_014314.4 (MANE Select); 7 bases into the intron before coding-DNA position 2338, G replaced by A.
Molecular consequence: intron variant.
Genome position (GRCh38, 1-based): chr9:32,459,521, C>T on the plus strand (G>A on the coding strand, the complement: RIGI is on the minus strand). VCF-style: chr9-32459521-C-T. GRCh37 (hg19) VCF-style: chr9-32459519-C-T.
Other names: p.?.
Identifiers: ClinVar variation 772911 (VCV000772911.13), dbSNP rs146533839, ClinGen allele CA5019513.

ClinVar aggregate classification (germline): Benign/Likely benign. Review status: criteria provided, multiple submitters, no conflicts (2 of 4 stars). 4 submissions from 4 submitters: Benign (2); Likely benign (2). Last evaluated 2026-02-03.

Allele frequency attached by ClinVar (database versions not stated): gnomAD 0.00291 and 0.00353; TOPMed 0.00365; ESP Exome Variant Server 0.00392; gnomAD exomes 0.00421 and 0.00611; 1000 Genomes Project 0.00539; ExAC 0.00631.
gnomAD v4.1: 6,754 of 1,599,598 alleles (0.42%); highest among the groups gnomAD compares: Middle Eastern, 2.7%; 60 homozygotes.

Submissions (4):

Labcorp Genetics (formerly Invitae), Labcorp
Classification: Benign. Last evaluated: 2026-02-03. Review status: criteria provided, single submitter. Criteria: Invitae Variant Classification Sherloc (09022015). Collection method: clinical testing. Allele origin: germline.

Genomic Medicine Center of Excellence, King Faisal Specialist Hospital and Research Centre
Classification: Likely benign. Last evaluated: 2025-08-18. Review status: criteria provided, single submitter. Criteria: ACMG Guidelines, 2015. Collection method: clinical testing. Allele origin: germline.

Blueprint Genetics
Classification: Likely benign. Last evaluated: 2024-11-27. Review status: criteria provided, single submitter. Criteria: ACMG Guidelines, 2015. Collection method: clinical testing. Allele origin: germline.

Mayo Clinic Laboratories, Mayo Clinic
Classification: Benign. Last evaluated: 2023-09-12. Review status: criteria provided, single submitter. Criteria: ACMG Guidelines, 2015. Collection method: clinical testing. Allele origin: germline. Observed: 8 variant alleles.
Comment: BS1, BS2, BP4, BP7